The following is an entry in ClinVar:

NM_001374736.1(DST):c.11681A>C (p.Gln3894Pro)

Gene: DST (dystonin; minus strand). Cytogenetic location: 6p12.1.
Variant type: single nucleotide variant.
Coding change: c.11681A>C on transcript NM_001374736.1 (MANE Select); coding-DNA position 11681, A replaced by C.
Protein change: p.Gln3894Pro; replaces glutamine 3894 with proline.
Molecular consequence: missense variant.
Genome position (GRCh38, 1-based): chr6:56,600,082, T>G on the plus strand (A>C on the coding strand, the complement: DST is on the minus strand). VCF-style: chr6-56600082-T-G. GRCh37 (hg19) VCF-style: chr6-56464880-T-G.
Other names: c.5324A>C, p.Gln1775Pro (NM_001144769.5); c.4910A>C, p.Gln1637Pro (NM_001144770.2); c.11681A>C, p.Gln3894Pro (NM_001374722.1); c.11048A>C, p.Gln3683Pro (NM_001374729.1); c.4790A>C, p.Gln1597Pro (NM_001374730.1, NM_001386100.1, NM_183380.4); c.11708A>C, p.Gln3903Pro (NM_001374734.1); c.3812A>C, p.Gln1271Pro (NM_015548.5); short protein forms Q1775P, Q1271P, Q1637P, Q1597P, Q3683P, Q3894P, Q3903P.
Identifiers: ClinVar variation 650732 (VCV000650732.9), dbSNP rs201696158, ClinGen allele CA3868605.

ClinVar aggregate classification (germline): Uncertain significance. Review status: criteria provided, multiple submitters, no conflicts (2 of 4 stars). 2 submissions from 2 submitters: Uncertain significance (2). Last evaluated 2024-10-22.

Conditions:
Hereditary sensory and autonomic neuropathy type 6. Also called: Neuropathy, hereditary sensory and autonomic, type VI; HSAN VI. Identifiers: Orphanet 314381, MedGen C3539003, MONDO:0013839, OMIM 614653.
Epidermolysis bullosa simplex 3, localized or generalized intermediate, with BP230 deficiency (EBS3). Also called: Epidermolysis bullosa simplex, autosomal recessive 2; Epidermolysis bullosa simplex due to BP230 deficiency. Identifiers: Orphanet 412181, MedGen C3809470, MONDO:0014180, OMIM 615425.
Inborn genetic diseases. Identifiers: MedGen C0950123, MeSH D030342.

Allele frequency attached by ClinVar (database versions not stated): ESP Exome Variant Server 0.00008; gnomAD 0.00015 and 0.00016; 1000 Genomes Project 30x 0.00016; TOPMed 0.00018; ExAC 0.00027; gnomAD exomes 0.00027.
gnomAD v4.1: 390 of 1,612,368 alleles (0.024%); highest among the groups gnomAD compares: Admixed American, 0.05%; 1 homozygote.

Submissions (2):

Labcorp Genetics (formerly Invitae), Labcorp
Classification: Uncertain significance for Epidermolysis bullosa simplex 3, localized or generalized intermediate, with BP230 deficiency; Hereditary sensory and autonomic neuropathy type 6. Last evaluated: 2024-10-22. Review status: criteria provided, single submitter. Criteria: Invitae Variant Classification Sherloc (09022015). Collection method: clinical testing. Allele origin: germline.
Comment: The DST gene has multiple clinically relevant transcripts. This variant occurs in alternate transcript NM_015548.4, and corresponds to NM_001723.5:c.*15435A>C in the primary transcript. This sequence change replaces glutamine, which is neutral and polar, with proline, which is neutral and non-polar, at codon 1271 of the DST protein (p.Gln1271Pro). This variant is present in population databases (rs201696158, gnomAD 0.08%). This variant has not been reported in the literature in individuals affected with DST-related conditions. Experimental studies and prediction algorithms are not available or were not evaluated, and the functional significance of this variant is currently unknown. In summary, the available evidence is currently insufficient to determine the role of this variant in disease. Therefore, it has been classified as a Variant of Uncertain Significance.

Ambry Genetics
Classification: Uncertain significance for Inborn genetic diseases. Last evaluated: 2022-06-30. Review status: criteria provided, single submitter. Criteria: Ambry Variant Classification Scheme 2023. Collection method: clinical testing. Allele origin: germline.
Comment: The p.Q1775P variant (also known as c.5324A>C), located in coding exon 39 of the DST gene, results from an A to C substitution at nucleotide position 5324. The glutamine at codon 1775 is replaced by proline, an amino acid with similar properties. This amino acid position is highly conserved in available vertebrate species. In addition, the in silico prediction for this alteration is inconclusive. Since supporting evidence is limited at this time, the clinical significance of this alteration remains unclear.